The following is an entry in ClinVar:

ClinVar aggregate classification (germline): Uncertain significance (1 of 4 stars; one submission).

Conditions:
Infantile spasms. Also called: Infantile spasm. Identifiers: MedGen C3887898, HP:0012469.

gnomAD v4.1: 2 of 1,612,888 alleles (0.00012%); highest among the groups gnomAD compares: African/African-American, 0.0027%; no homozygotes.

Submission:

Labcorp Genetics (formerly Invitae), Labcorp
Classification: Uncertain significance for Infantile spasms. Last evaluated: 2024-04-18. Review status: criteria provided, single submitter. Criteria: Invitae Variant Classification Sherloc (09022015). Collection method: clinical testing. Allele origin: germline.
Comment: This sequence change replaces leucine, which is neutral and non-polar, with proline, which is neutral and non-polar, at codon 458 of the PIK3AP1 protein (p.Leu458Pro). This variant is present in population databases (no rsID available, gnomAD 0.01%). This variant has not been reported in the literature in individuals affected with PIK3AP1-related conditions. An algorithm developed to predict the effect of missense changes on protein structure and function (PolyPhen-2) suggests that this variant is likely to be disruptive. In summary, the available evidence is currently insufficient to determine the role of this variant in disease. Therefore, it has been classified as a Variant of Uncertain Significance.

NM_152309.3(PIK3AP1):c.1373T>C (p.Leu458Pro)

Genes: PIK3AP1 (phosphoinositide-3-kinase adaptor protein 1; minus strand), LOC130004439 (ATAC-STARR-seq lymphoblastoid active region 3829; plus strand). Cytogenetic location: 10q24.1.
Variant type: single nucleotide variant.
Coding change: c.1373T>C on transcript NM_152309.3 (MANE Select); coding-DNA position 1373, T replaced by C.
Protein change: p.Leu458Pro; replaces leucine 458 with proline.
Molecular consequence: missense variant.
Genome position (GRCh38, 1-based): chr10:96,645,475, A>G on the plus strand (T>C on the coding strand, the complement: PIK3AP1 is on the minus strand). VCF-style: chr10-96645475-A-G. GRCh37 (hg19) VCF-style: chr10-98405232-A-G.
Other names: short protein forms L458P.
Identifiers: ClinVar variation 3674422 (VCV003674422.2).